The following is an entry in ClinVar:

ClinVar aggregate classification (germline): Uncertain significance (1 of 4 stars; one submission).

Submission:

Labcorp Genetics (formerly Invitae), Labcorp
Classification: Uncertain significance. Last evaluated: 2022-11-20. Review status: criteria provided, single submitter. Criteria: Invitae Variant Classification Sherloc (09022015). Collection method: clinical testing. Allele origin: unknown.
Comment: In summary, the available evidence is currently insufficient to determine the role of this variant in disease. Therefore, it has been classified as a Variant of Uncertain Significance. This variant has not been reported in the literature in individuals affected with ZSWIM6-related conditions. A copy number gain of the genomic region encompassing the full coding sequence of the ZSWIM6 gene has been identified. The boundaries of this event are unknown as they extend beyond the assayed region for this gene and therefore may encompass additional genes. As the precise location of this event is unknown, it may be in tandem or it may be located elsewhere in the genome.

NC_000005.9:g.(?_60628100)_(60840144_?)dup

Gene: ZSWIM6 (zinc finger SWIM-type containing 6; plus strand). Cytogenetic location: 5q12.1.
Variant type: Duplication.
Identifiers: ClinVar variation 3246530 (VCV003246530.1).